The following is an entry in ClinVar:

ClinVar aggregate classification (germline): Uncertain significance. Review status: criteria provided, multiple submitters, no conflicts (2 of 4 stars). 2 submissions from 2 submitters: Uncertain significance (2). Last evaluated 2025-06-29.

Conditions:
Hypertrophic cardiomyopathy 9. Also called: Familial hypertrophic cardiomyopathy 9. Identifiers: MedGen C1861065, MONDO:0013412, OMIM 613765.
Tibial muscular dystrophy (TMD). Also called: UDD MYOPATHY; Udd Distal Myopathy – Tibial Muscular Dystrophy; Tibial muscular dystrophy, tardive. Identifiers: Orphanet 609, MedGen C1838244, MONDO:0010870, OMIM 600334.
Early-onset myopathy with fatal cardiomyopathy (CMYO5). Also called: Salih Myopathy; CONGENITAL MYOPATHY 5 WITH CARDIOMYOPATHY. Identifiers: Orphanet 289377, MedGen C2673677, MONDO:0012714, OMIM 611705. Disease mechanism: loss of function.
Myopathy, myofibrillar, 9, with early respiratory failure (MFM9). Also called: MYOPATHY, PROXIMAL, WITH EARLY RESPIRATORY MUSCLE INVOLVEMENT; Hereditary myopathy with early respiratory failure; EDSTROM MYOPATHY; Myopathy, distal, with early respiratory failure, autosomal dominant. Identifiers: Orphanet 178464, Orphanet 34521, MedGen C1863599, MONDO:0011362, OMIM 603689.
Dilated cardiomyopathy 1G (CMD1G). Identifiers: Orphanet 154, MedGen C1858763, MONDO:0011400, OMIM 604145.
Autosomal recessive limb-girdle muscular dystrophy type 2J (LGMDR10). Also called: Limb-girdle muscular dystrophy, type 2J; MUSCULAR DYSTROPHY, LIMB-GIRDLE, AUTOSOMAL RECESSIVE 10. Identifiers: Orphanet 140922, MedGen C1837342, MONDO:0012127, OMIM 608807.

Allele frequency attached by ClinVar (database versions not stated): gnomAD 0.00001; TOPMed 0.00001.
gnomAD v4.1: 17 of 1,613,874 alleles (0.0011%); highest among the groups gnomAD compares: Non-Finnish European, 0.0014%; no homozygotes.

Submissions (2):

Labcorp Genetics (formerly Invitae), Labcorp
Classification: Uncertain significance for Dilated cardiomyopathy 1G; Autosomal recessive limb-girdle muscular dystrophy type 2J. Last evaluated: 2025-06-29. Review status: criteria provided, single submitter. Criteria: Invitae Variant Classification Sherloc (09022015). Collection method: clinical testing. Allele origin: germline.
Comment: This sequence change replaces isoleucine, which is neutral and non-polar, with threonine, which is neutral and polar, at codon 34281 of the TTN protein (p.Ile34281Thr). This variant is present in population databases (rs779369864, gnomAD 0.007%). This missense change has been observed in individual(s) with inherited skeletal myopathy (PMID: 32039858). ClinVar contains an entry for this variant (Variation ID: 1063286). Experimental studies and prediction algorithms are not available or were not evaluated, and the functional significance of this variant is currently unknown. This variant is located in the M band of TTN (PMID: 25589632). Non-truncating variants in this region may be relevant for neuromuscular disorders, but have not been definitively shown to cause cardiomyopathy (PMID: 23975875). In summary, the available evidence is currently insufficient to determine the role of this variant in disease. Therefore, it has been classified as a Variant of Uncertain Significance.

Fulgent Genetics
Classification: Uncertain significance for Tibial muscular dystrophy; Myopathy, myofibrillar, 9, with early respiratory failure; Dilated cardiomyopathy 1G; Autosomal recessive limb-girdle muscular dystrophy type 2J; Early-onset myopathy with fatal cardiomyopathy; Hypertrophic cardiomyopathy 9. Last evaluated: 2021-08-27. Review status: criteria provided, single submitter. Criteria: ACMG Guidelines, 2015. Collection method: clinical testing. Allele origin: unknown.

Literature cited by the submitters: PubMed 32039858 (cited by Labcorp Genetics (formerly Invitae), Labcorp); PubMed 25589632 (cited by Labcorp Genetics (formerly Invitae), Labcorp); PubMed 23975875 (cited by Labcorp Genetics (formerly Invitae), Labcorp).

NM_001267550.2(TTN):c.102842T>C (p.Ile34281Thr)

Genes: TTN (titin; minus strand), TTN-AS1 (TTN antisense RNA 1; plus strand). Cytogenetic location: 2q31.2.
Variant type: single nucleotide variant.
Coding change: c.102842T>C on transcript NM_001267550.2 (MANE Select); coding-DNA position 102842, T replaced by C.
Protein change: p.Ile34281Thr; replaces isoleucine 34281 with threonine.
Molecular consequence: missense variant.
Genome position (GRCh38, 1-based): chr2:178,533,773, A>G on the plus strand (T>C on the coding strand, the complement: TTN is on the minus strand). VCF-style: chr2-178533773-A-G. GRCh37 (hg19) VCF-style: chr2-179398500-A-G.
Other names: c.97919T>C, p.Ile32640Thr (NM_001256850.1); c.75647T>C, p.Ile25216Thr (NM_003319.4); c.95138T>C, p.Ile31713Thr (NM_133378.4); c.76022T>C, p.Ile25341Thr (NM_133432.3); c.76223T>C, p.Ile25408Thr (NM_133437.4); short protein forms I25216T, I25341T, I25408T, I31713T, I32640T, I34281T.
Identifiers: ClinVar variation 1063286 (VCV001063286.8), dbSNP rs779369864, ClinGen allele CA1985695.
Genomic context (GRCh38, chr2:178,533,773, plus strand): 5'-CCTGGTTTGATTTTCTGACCTGATTTATACCATGTTACATGAGGCTCTGGGTGGACAGTT[A>G]TAGTTACTCCAAACCGGACATTTTCACCTACATAAGCTGTCTTATTATAGAGAGGCAGGG-3'
Protein context (NP_001254479.2, residues 34271-34291): VGENVRFGVT[Ile34281Thr]TVHPEPHVTW